The following is an entry in ClinVar:

NM_003235.5(TG):c.710G>C (p.Cys237Ser)

Gene: TG (thyroglobulin; plus strand). Cytogenetic location: 8q24.22.
Variant type: single nucleotide variant.
Coding change: c.710G>C on transcript NM_003235.5 (MANE Select); coding-DNA position 710, G replaced by C.
Protein change: p.Cys237Ser; replaces cysteine 237 with serine.
Molecular consequence: missense variant.
Genome position (GRCh38, 1-based): chr8:132,881,934, G>C. VCF-style: chr8-132881934-G-C. GRCh37 (hg19) VCF-style: chr8-133894179-G-C.
Other names: c.710G>C (NM_003235.4); short protein forms C237S.
Identifiers: ClinVar variation 3384958 (VCV003384958.3).

ClinVar aggregate classification (germline): Uncertain significance. Review status: criteria provided, multiple submitters, no conflicts (2 of 4 stars). 3 submissions from 3 submitters: Uncertain significance (3). Last evaluated 2026-05-26.

Conditions:
TG-related disorder. Also called: TG-related condition; TG-related disorders.
Congenital hypothyroidism. Identifiers: Orphanet 442, MedGen C0010308, MONDO:0018612, HP:0000851.

gnomAD v4.1: 7 of 1,614,150 alleles (0.00043%); highest among the groups gnomAD compares: Non-Finnish European, 0.00051%; no homozygotes.

Submissions (3):

PreventionGenetics, part of Exact Sciences
Classification: Uncertain significance for TG-related condition. Last evaluated: 2026-05-26. Review status: criteria provided, single submitter. Criteria: ACMG Guidelines, 2015. Collection method: clinical testing. Allele origin: germline.
Comment: The TG c.710G>C variant is predicted to result in the amino acid substitution p.Cys237Ser. This variant was reported along with a second TG variant in an individual with congenital hypothyroidism (Supplemental Table 5, Levaillant et al. 2023. PubMed ID: 36884306). This variant has not been reported in a large population database (gnomAD), indicating this variant is rare. At this time, the clinical significance of this variant is uncertain due to the absence of conclusive functional and genetic evidence.

Cambridge Genomics Laboratory, East Genomic Laboratory Hub, NHS Genomic Medicine Service
Classification: Uncertain significance for Congenital hypothyroidism. Last evaluated: 2025-06-05. Review status: criteria provided, single submitter. Criteria: ACGS Best Practice Guidelines for Variant Classification in Rare Disease 2020. Collection method: clinical testing. Allele origin: germline. Affected: yes.
Comment: PM2,PM3,PP3,PP4_Moderate

Women's Health and Genetics/Laboratory Corporation of America, LabCorp
Classification: Uncertain significance. Last evaluated: 2024-10-03. Review status: criteria provided, single submitter. Criteria: LabCorp Variant Classification Summary - May 2015. Collection method: clinical testing. Allele origin: germline.
Comment: Variant summary: TG c.710G>C (p.Cys237Ser) results in a non-conservative amino acid change located in the Thyroglobulin type-1 domain (IPR000716) of the encoded protein sequence. Five of five in-silico tools predict a damaging effect of the variant on protein function. The variant was absent in 251448 control chromosomes. The available data on variant occurrences in the general population are insufficient to allow any conclusion about variant significance. c.710G>C has been reported in the literature in a compound heterozygous individual affected with congenital hypothyroidism with gland-in-situ (Levaillant_2023). This report does not provide unequivocal conclusions about association of the variant with TG-Related Disorders. To our knowledge, no experimental evidence demonstrating an impact on protein function has been reported. The following publication has been ascertained in the context of this evaluation (PMID: 36884306). No submitters have cited clinical-significance assessments for this variant to ClinVar. Based on the evidence outlined above, the variant was classified as uncertain significance.

Literature cited by the submitters: PubMed 36884306 (cited by Women's Health and Genetics/Laboratory Corporation of America, LabCorp).